The following is an entry in ClinVar:

ClinVar aggregate classification (germline): Uncertain significance (1 of 4 stars; one submission).

Conditions:
Atrial fibrillation, familial, 7 (ATFB7). Identifiers: MedGen C2677106, MONDO:0012828, OMIM 612240.

gnomAD v4.1: 1 of 1,614,104 alleles (0.000062%); highest among the groups gnomAD compares: South Asian, 0.0011%; no homozygotes.

Submission:

Labcorp Genetics (formerly Invitae), Labcorp
Classification: Uncertain significance for Atrial fibrillation, familial, 7. Last evaluated: 2025-12-17. Review status: criteria provided, single submitter. Criteria: Invitae Variant Classification Sherloc (09022015). Collection method: clinical testing. Allele origin: germline.
Comment: This sequence change replaces lysine, which is basic and polar, with glutamic acid, which is acidic and polar, at codon 151 of the KCNA5 protein (p.Lys151Glu). This variant is not present in population databases (gnomAD no frequency). This variant has not been reported in the literature in individuals affected with KCNA5-related conditions. Invitae Evidence Modeling of protein sequence and biophysical properties (such as structural, functional, and spatial information, amino acid conservation, physicochemical variation, residue mobility, and thermodynamic stability) indicates that this missense variant is not expected to disrupt KCNA5 protein function with a negative predictive value of 80%. In summary, the available evidence is currently insufficient to determine the role of this variant in disease. Therefore, it has been classified as a Variant of Uncertain Significance.

NM_002234.4(KCNA5):c.451A>G (p.Lys151Glu)

Gene: KCNA5 (potassium voltage-gated channel subfamily A member 5; plus strand). Cytogenetic location: 12p13.32.
Variant type: single nucleotide variant.
Coding change: c.451A>G on transcript NM_002234.4 (MANE Select); coding-DNA position 451, A replaced by G.
Protein change: p.Lys151Glu; replaces lysine 151 with glutamic acid.
Molecular consequence: missense variant.
Genome position (GRCh38, 1-based): chr12:5,044,598, A>G. VCF-style: chr12-5044598-A-G. GRCh37 (hg19) VCF-style: chr12-5153764-A-G.
Other names: short protein forms K151E.
Identifiers: ClinVar variation 4741610 (VCV004741610.1).